The following is an entry in ClinVar:

ClinVar aggregate classification (germline): Benign. Review status: criteria provided, multiple submitters, no conflicts (2 of 4 stars). 2 submissions from 2 submitters: Benign (2). Last evaluated 2018-01-13.

Conditions:
Seizures, benign familial neonatal, 2. Also called: CONVULSIONS, BENIGN FAMILIAL NEONATAL, 2; KCNQ3-Related Self-Limited Familial Neonatal Epilepsy (SLFNE); Benign Neonatal Epilepsy 2; KCNQ3-Related Benign Familial Neonatal Epilepsy; Seizures, benign neonatal, 2. Identifiers: Orphanet 1949, MedGen C1852581, MONDO:0007366, OMIM 121201.

Allele frequency attached by ClinVar (database versions not stated): TOPMed 0.13376; gnomAD 0.14346 and 0.14469; 1000 Genomes Project 30x 0.12133; gnomAD exomes 0.06250; 1000 Genomes Project 0.12220.
gnomAD v4.1: 21,766 of 152,190 alleles (14%); highest among the groups gnomAD compares: East Asian, 17%; 1,693 homozygotes.

Submissions (2):

Illumina Laboratory Services, Illumina
Classification: Benign for Seizures, benign familial neonatal, 2. Last evaluated: 2018-01-13. Review status: criteria provided, single submitter. Criteria: ICSL Variant Classification Criteria 13 December 2019. Collection method: clinical testing. Allele origin: germline.
Comment: This variant was observed in the ICSL laboratory as part of a predisposition screen in an ostensibly healthy population. It had not been previously curated by ICSL or reported in the Human Gene Mutation Database (HGMD: prior to June 1st, 2018), and was therefore a candidate for classification through an automated scoring system. Utilizing variant allele frequency, disease prevalence and penetrance estimates, and inheritance mode, an automated score was calculated to assess if this variant is too frequent to cause the disease. Based on the score and internal cut-off values, a variant classified as benign is not then subjected to further curation. The score for this variant resulted in a classification of benign for this disease.

Breakthrough Genomics
Classification: Benign. Review status: criteria provided, single submitter. Criteria: ACMG Guidelines, 2015. Collection method: not provided. Allele origin: germline. Inheritance: Autosomal dominant inheritance. Affected: yes.

NM_004519.4(KCNQ3):c.*7506C>T

Gene: KCNQ3 (potassium voltage-gated channel subfamily Q member 3; minus strand). Cytogenetic location: 8q24.22.
Variant type: single nucleotide variant.
Coding change: c.*7506C>T on transcript NM_004519.4 (MANE Select); 7506 bases downstream of the stop codon, C replaced by T.
Molecular consequence: 3 prime UTR variant.
Genome position (GRCh38, 1-based): chr8:132,121,756, G>A on the plus strand (C>T on the coding strand, the complement: KCNQ3 is on the minus strand). VCF-style: chr8-132121756-G-A. GRCh37 (hg19) VCF-style: chr8-133134003-G-A.
Other names: c.*7506C>T (NM_001204824.2).
Identifiers: ClinVar variation 361750 (VCV000361750.7), dbSNP rs11785257, ClinGen allele CA10624703.
Genomic context (GRCh38, chr8:132,121,756, plus strand): 5'-ATTTCAGAGCTCAGAAATAAAGGTACAGTCTAGAGACAAAAGACCAGAGTCAGCAGAGAC[G>A]TGGAGATATTTGAACTTGTTTGGTTAAAAACAATGACAGGAGCTCCTTGGGGGCAGAGAA-3'